The following is an entry in ClinVar:

NM_000540.3(RYR1):c.7162G>A (p.Glu2388Lys)

Gene: RYR1 (ryanodine receptor 1; plus strand). Cytogenetic location: 19q13.2.
Variant type: single nucleotide variant.
Coding change: c.7162G>A on transcript NM_000540.3 (MANE Select); coding-DNA position 7162, G replaced by A.
Protein change: p.Glu2388Lys; replaces glutamic acid 2388 with lysine.
Molecular consequence: missense variant.
Genome position (GRCh38, 1-based): chr19:38,499,769, G>A. VCF-style: chr19-38499769-G-A. GRCh37 (hg19) VCF-style: chr19-38990409-G-A.
Other names: c.7162G>A, p.Glu2388Lys (NM_001042723.2); short protein forms E2388K.
Identifiers: ClinVar variation 3069253 (VCV003069253.3), dbSNP rs777021627, ClinGen allele CA069201.
Genomic context (GRCh38, chr19:38,499,769, plus strand): 5'-CTGCGGGGTGAGGGTGGCTCAGGGCTGCTGGCTGCCATCGAAGAGGCCATCCGCATCTCC[G>A]AGGACCCTGCGAGGGATGGCCCAGGCATCCGCAGGGACCGGCGGCGCGAGCAGTGAGTCT-3'
Protein context (NP_000531.2, residues 2378-2398): AAIEEAIRIS[Glu2388Lys]DPARDGPGIR

ClinVar aggregate classification (germline): Uncertain significance. Review status: criteria provided, multiple submitters, no conflicts (2 of 4 stars). 2 submissions from 2 submitters: Uncertain significance (2). Last evaluated 2025-04-09.

Conditions:
RYR1-related disorder. Also called: RYR1-related condition; RYR1-related disorders. Identifiers: MedGen CN239331.
Malignant hyperthermia, susceptibility to, 1 (MHS1). Also called: RYR1-Related Malignant Hyperthermia Susceptibility; Anesthesia related hyperthermia; Malignant hyperpyrexia; Fulminating hyperpyrexia; Pharmacogenic myopathy; Malignant hyperthermia suceptibility 1. Identifiers: Orphanet 423, MedGen C2930980, MONDO:0007783, OMIM 145600.

Allele frequency attached by ClinVar (database versions not stated): ExAC 0.00001; gnomAD 0.00001; gnomAD exomes 0.00001; TOPMed 0.00001.
gnomAD v4.1: 9 of 1,602,502 alleles (0.00056%); highest among the groups gnomAD compares: African/African-American, 0.0013%; no homozygotes.

Submissions (2):

Labcorp Genetics (formerly Invitae), Labcorp
Classification: Uncertain significance for RYR1-related disorder. Last evaluated: 2025-04-09. Review status: criteria provided, single submitter. Criteria: Invitae Variant Classification Sherloc (09022015). Collection method: clinical testing. Allele origin: germline.
Comment: This sequence change replaces glutamic acid, which is acidic and polar, with lysine, which is basic and polar, at codon 2388 of the RYR1 protein (p.Glu2388Lys). The frequency data for this variant in the population databases is considered unreliable, as metrics indicate poor data quality at this position in the gnomAD database. This variant has not been reported in the literature in individuals affected with RYR1-related conditions. ClinVar contains an entry for this variant (Variation ID: 3069253). Invitae Evidence Modeling of protein sequence and biophysical properties (such as structural, functional, and spatial information, amino acid conservation, physicochemical variation, residue mobility, and thermodynamic stability) indicates that this missense variant is not expected to disrupt RYR1 protein function with a negative predictive value of 80%. In summary, the available evidence is currently insufficient to determine the role of this variant in disease. Therefore, it has been classified as a Variant of Uncertain Significance.

All of Us Research Program, National Institutes of Health
Classification: Uncertain significance for Malignant hyperthermia, susceptibility to, 1. Last evaluated: 2023-11-02. Review status: criteria provided, single submitter. Criteria: ACMG Guidelines, 2015. Collection method: clinical testing. Allele origin: germline. Inheritance: Autosomal dominant inheritance. Observed: 5 variant alleles, 5 heterozygotes.
Comment: This missense variant replaces glutamic acid with lysine at codon 2388 of the RYR1 protein. Computational prediction suggests that this variant may have deleterious impact on protein structure and function (internally defined REVEL score threshold >= 0.7, PMID: 27666373). This variant occurs in the central region (a.a. 2101 - 2458) of the RYR1 protein that is considered to be a hotspot for pathogenic variants that contribute to malignant hyperthermia susceptibility (PMID: 21118704). To our knowledge, functional studies have not been reported for this variant. This variant has not been reported in individuals affected with RYR1-related disorders in the literature. This variant has not been identified in the general population by the Genome Aggregation Database (gnomAD). The available evidence is insufficient to determine the role of this variant in disease conclusively. Therefore, this variant is classified as a Variant of Uncertain Significance.

This study involves interpretation of variants in research participants for the purpose of population health screening. Participant phenotype was not available at the time of variant classification. Additional details can be found in publication PMID: 35346344, PMCID: PMC8962531

Literature cited by the submitters: PubMed 21118704 (cited by All of Us Research Program, National Institutes of Health).